The following is an entry in ClinVar:

ClinVar aggregate classification (germline): Pathogenic (0 of 4 stars; one submission).

Submission:

Department of Pathology and Laboratory Medicine, Sinai Health System
Classification: Pathogenic. Review status: no assertion criteria provided. Collection method: clinical testing. Allele origin: unknown. Affected: yes. Observed: 2 variant alleles. Study: The Canadian Open Genetics Repository (COGR).
Comment: The APC p.Gln1549ProfsX10 duplication variant was not identified in the literature. This variant is predicted to cause a frameshift, which alters the protein's amino acid sequence beginning at codon 1549 and leads to a premature stop codon 10 codons downstream. This alteration is then predicted to result in a truncated or absent protein and loss of function. Loss of function variants of the APC gene are an established mechanism of disease in familial adenomatous polyposis and is the type of variant expected to cause the disorder. In summary, based on the above information, this variant is classified as pathogenic.

NM_000038.6(APC):c.4645dup (p.Gln1549fs)

Gene: APC (APC regulator of WNT signaling pathway; plus strand). Cytogenetic location: 5q22.2.
Variant type: Duplication.
Coding change: c.4645dup on transcript NM_000038.6 (MANE Select); coding-DNA position 4645, one base duplicated (C; older notation c.4645dupC).
Protein change: p.Gln1549fs; shifts the reading frame from glutamine 1549.
Molecular consequence: frameshift variant.
Genome position (GRCh38, 1-based): chr5:112,840,239, C duplicated; the last of 2 consecutive C bases (chr5:112,840,238-112,840,239); duplicating either gives the same sequence. VCF-style (leftmost placement, unchanged base first): chr5-112840237-A-AC. GRCh37 (hg19) VCF-style: chr5-112175934-A-AC.
Other names: c.4645dupC (NM_000038.5); c.4645dup, p.Gln1549fs (NM_001127510.3, NM_001354895.2); c.4591dup, p.Gln1531fs (NM_001127511.3); c.4699dup, p.Gln1567fs (NM_001354896.2); c.4675dup, p.Gln1559fs (NM_001354897.2); c.4570dup, p.Gln1524fs (NM_001354898.2); c.4561dup, p.Gln1521fs (NM_001354899.2); c.4522dup, p.Gln1508fs (NM_001354900.2); and 6 more; short protein forms Q1266fs, Q1423fs, Q1458fs, Q1524fs, Q1559fs, Q1389fs, Q1490fs, Q1531fs.
Identifiers: ClinVar variation 433663 (VCV000433663.2), dbSNP rs1554086036, ClinGen allele CA645372796.